The following is an entry in ClinVar:

NM_000168.6(GLI3):c.293C>T (p.Ala98Val)

Gene: GLI3 (GLI family zinc finger 3; minus strand). Cytogenetic location: 7p14.1.
Variant type: single nucleotide variant.
Coding change: c.293C>T on transcript NM_000168.6 (MANE Select); coding-DNA position 293, C replaced by T.
Protein change: p.Ala98Val; replaces alanine 98 with valine.
Molecular consequence: missense variant.
Genome position (GRCh38, 1-based): chr7:42,148,300, G>A on the plus strand (C>T on the coding strand, the complement: GLI3 is on the minus strand). VCF-style: chr7-42148300-G-A. GRCh37 (hg19) VCF-style: chr7-42187899-G-A.
Other names: short protein forms A98V.
Identifiers: ClinVar variation 1810657 (VCV001810657.7), dbSNP rs763808074, ClinGen allele CA4231256.

ClinVar aggregate classification (germline): Conflicting classifications of pathogenicity. Review status: criteria provided, conflicting classifications (1 of 4 stars). 3 submissions from 3 submitters: Uncertain significance (1); Likely benign (2). Last evaluated 2025-02-16.

Conditions:
Pallister-Hall syndrome (PHS). Also called: HYPOTHALAMIC HAMARTOBLASTOMA, HYPOPITUITARISM, IMPERFORATE ANUS, AND POSTAXIAL POLYDACTYLY; GLI3-Related Pallister-Hall Syndrome. Identifiers: Orphanet 672, MedGen C0265220, MONDO:0007804, OMIM 146510.
Greig cephalopolysyndactyly syndrome (GCPS). Also called: POLYSYNDACTYLY WITH PECULIAR SKULL SHAPE; Greig syndrome; GLI3-Related Greig Cephalopolysyndactyly Syndrome. Identifiers: Orphanet 380, MedGen C0265306, MONDO:0008287, OMIM 175700.

Allele frequency attached by ClinVar (database versions not stated): gnomAD exomes 0.00001; TOPMed 0.00001; ExAC 0.00005; gnomAD 0.00001.
gnomAD v4.1: 15 of 1,613,024 alleles (0.00093%); highest among the groups gnomAD compares: Admixed American, 0.01%; no homozygotes.

Submissions (3):

Laboratory of Genetics, Children's Clinical University Hospital Latvia
Classification: Likely benign. Last evaluated: 2025-02-16. Review status: criteria provided, single submitter. Criteria: ACMG Guidelines, 2015. Collection method: clinical testing. Allele origin: germline. Affected: yes.

Labcorp Genetics (formerly Invitae), Labcorp
Classification: Likely benign for Pallister-Hall syndrome; Greig cephalopolysyndactyly syndrome. Last evaluated: 2024-04-30. Review status: criteria provided, single submitter. Criteria: Invitae Variant Classification Sherloc (09022015). Collection method: clinical testing. Allele origin: germline.

GeneDx
Classification: Uncertain significance. Last evaluated: 2022-07-05. Review status: criteria provided, single submitter. Criteria: GeneDx Variant Classification Process June 2021. Collection method: clinical testing. Allele origin: germline. Affected: yes.
Comment: In silico analysis supports that this missense variant does not alter protein structure/function; Has not been previously published as pathogenic or benign to our knowledge